The following is an entry in ClinVar:

ClinVar aggregate classification (germline): Conflicting classifications of pathogenicity. Review status: criteria provided, conflicting classifications (1 of 4 stars). 7 submissions from 7 submitters: Uncertain significance (2); Likely benign (4). 1 of the submissions does not count toward it. Last evaluated 2026-08-04.

Conditions:
CACNA1C-related disorder. Also called: CACNA1C-related disorders; CACNA1C-related condition. Identifiers: MedGen CN381092, MONDO:0700321.
Brugada syndrome 3 (BRGDA3). Identifiers: Orphanet 130, MedGen C2678478, MONDO:0012742, OMIM 611875.
Long QT syndrome 8. Identifiers: MedGen CN260585, MONDO:0032756, OMIM 618447.
Timothy syndrome (TS). Also called: LONG QT SYNDROME WITH SYNDACTYLY. Identifiers: Orphanet 65283, MedGen C1832916, MeSH C536962, MONDO:0010979, OMIM 601005.
Cardiovascular phenotype. Identifiers: MedGen CN230736.
Long QT syndrome (LQTS). Identifiers: MedGen C0023976, MeSH D008133, MONDO:0002442. Disease mechanism: loss of function. Inheritance: Various modes of inheritance.

Allele frequency attached by ClinVar (database versions not stated): gnomAD 0.00030 and 0.00032; ESP Exome Variant Server 0.00016; ExAC 0.00019; TOPMed 0.00032.
gnomAD v4.1: 117 of 1,595,578 alleles (0.0073%); highest among the groups gnomAD compares: African/African-American, 0.094%; no homozygotes.

Submissions (7):

PreventionGenetics, part of Exact Sciences
Classification: Likely benign for CACNA1C-related condition. Last evaluated: 2026-08-04. Review status: criteria provided, single submitter. Criteria: ACMG Guidelines, 2015. Collection method: clinical testing. Allele origin: germline.
Comment: This variant is classified as likely benign based on ACMG/AMP sequence variant interpretation guidelines (Richards et al. 2015 PMID: 25741868, with internal and published modifications).

Labcorp Genetics (formerly Invitae), Labcorp
Classification: Likely benign for Long QT syndrome. Last evaluated: 2025-12-29. Review status: criteria provided, single submitter. Criteria: Invitae Variant Classification Sherloc (09022015). Collection method: clinical testing. Allele origin: germline.

Revvity Omics, Revvity
Classification: Likely benign. Last evaluated: 2023-11-06. Review status: criteria provided, single submitter. Criteria: ACMG Guidelines, 2015. Collection method: clinical testing. Allele origin: germline.

Ambry Genetics
Classification: Likely benign for Cardiovascular phenotype. Last evaluated: 2022-04-12. Review status: criteria provided, single submitter. Criteria: Ambry Variant Classification Scheme 2023. Collection method: clinical testing. Allele origin: germline.

Fulgent Genetics
Classification: Uncertain significance for Timothy syndrome; Brugada syndrome 3; Long QT syndrome 8. Last evaluated: 2021-11-02. Review status: criteria provided, single submitter. Criteria: ACMG Guidelines, 2015. Collection method: clinical testing. Allele origin: unknown.

Eurofins Ntd Llc (ga)
Classification: Uncertain significance. Last evaluated: 2014-06-03. Review status: criteria provided, single submitter. Criteria: EGL Classification Definitions 2015. Collection method: clinical testing. Allele origin: germline. Observed: 2 variant alleles, 2 heterozygotes.

Department of Pathology and Laboratory Medicine, Sinai Health System
Classification: Uncertain significance. Review status: no assertion criteria provided. Collection method: clinical testing. Allele origin: unknown. Affected: yes. Study: The Canadian Open Genetics Repository (COGR). Not counted in ClinVar's aggregate classification.
Comment: The CACNA1C p.Lys2054Arg variant was not identified in the literature nor was it identified in LOVD 3.0. The variant was identified in dbSNP (ID: rs200588235) and ClinVar (classified as uncertain significance by Illumina, Ambry Genetics, EGL Genetic Diagnostics and Invitae). The variant was identified in control databases in 24 of 252226 chromosomes at a frequency of 0.00009515 (Genome Aggregation Database March 6, 2019, v2.1.1). The variant was observed in the following populations: African in 15 of 21374 chromosomes (freq: 0.000702), South Asian in 8 of 27174 chromosomes (freq: 0.000294) and Latino in 1 of 32892 chromosomes (freq: 0.00003), but was not observed in the Ashkenazi Jewish, East Asian, European (Finnish), European (non-Finnish), or Other populations. The p.Lys2054 residue is conserved in mammals but not in more distantly related organisms however computational analyses (PolyPhen-2, SIFT, AlignGVGD, BLOSUM, MutationTaster) do not suggest a high likelihood of impact to the protein; this information is not predictive enough to rule out pathogenicity. The variant occurs outside of the splicing consensus sequence and 1 of 4 in silico or computational prediction software programs (SpliceSiteFinder, MaxEntScan, NNSPLICE, GeneSplicer) predict a greater than 10% difference in splicing; this is not very predictive of pathogenicity. In summary, based on the above information the clinical significance of this variant cannot be determined with certainty at this time. This variant is classified as a variant of uncertain significance.

NM_000719.7(CACNA1C):c.6161A>G (p.Lys2054Arg)

Genes: CACNA1C (calcium voltage-gated channel subunit alpha1 C; plus strand), CACNA1C-AS1 (CACNA1C antisense RNA 1; minus strand). Cytogenetic location: 12p13.33.
Variant type: single nucleotide variant.
Coding change: c.6161A>G on transcript NM_000719.7 (MANE Select); coding-DNA position 6161, A replaced by G.
Protein change: p.Lys2054Arg; replaces lysine 2054 with arginine.
Molecular consequence: missense variant. On other transcripts: non-coding transcript variant (1).
Genome position (GRCh38, 1-based): chr12:2,690,943, A>G. VCF-style: chr12-2690943-A-G. GRCh37 (hg19) VCF-style: chr12-2800109-A-G.
Other names: c.6305A>G, p.Lys2102Arg (NM_001129827.2); c.6284A>G, p.Lys2095Arg (NM_001129829.2); c.6266A>G, p.Lys2089Arg (NM_001129830.3, NM_001167624.3); c.6245A>G, p.Lys2082Arg (NM_001129831.2); c.6221A>G, p.Lys2074Arg (NM_001129832.2); c.6218A>G, p.Lys2073Arg (NM_001129833.2, NM_001129834.2, NM_001129835.2); c.6128A>G, p.Lys2043Arg (NM_001129846.2); c.6161A>G, p.Lys2054Arg (NM_001167623.2, NM_001129840.2, NM_001129841.2 and 2 more transcripts); and 6 more; short protein forms K2054R, K2089R, K2102R, K2043R, K2071R, K2073R, K2137R, K2051R.
Identifiers: ClinVar variation 197560 (VCV000197560.24), dbSNP rs200588235, ClinGen allele CA245795.